The following is an entry in ClinVar:

NM_000124.4(ERCC6):c.3984-2A>G

Gene: ERCC6 (ERCC excision repair 6, chromatin remodeling factor; minus strand). Cytogenetic location: 10q11.23.
Variant type: single nucleotide variant.
Coding change: c.3984-2A>G on transcript NM_000124.4 (MANE Select); the canonical splice acceptor site of the intron before coding-DNA position 3984, A replaced by G.
Molecular consequence: splice acceptor variant.
Genome position (GRCh38, 1-based): chr10:49,460,453, T>C on the plus strand (A>G on the coding strand, the complement: ERCC6 is on the minus strand). VCF-style: chr10-49460453-T-C. GRCh37 (hg19) VCF-style: chr10-50668499-T-C.
Other names: c.3984-2A>G (NM_001346440.2).
Identifiers: ClinVar variation 554470 (VCV000554470.7), dbSNP rs1554873973, ClinGen allele CA376708188.

ClinVar aggregate classification (germline): Likely pathogenic. Review status: criteria provided, single submitter (1 of 4 stars). 2 submissions from 2 submitters: Likely pathogenic (1). 1 of the submissions does not count toward it. Last evaluated 2023-08-22.

Conditions:
DE SANCTIS-CACCHIONE SYNDROME. Identifiers: MedGen C0265201, MONDO:0010217, OMIM 278800.
Cockayne syndrome type 2 (CSB). Also called: Cockayne Syndrome, Type II; COCKAYNE SYNDROME B. Identifiers: Orphanet 191, Orphanet 90322, MedGen C0751038, MONDO:0019570, OMIM 133540.
Cerebrooculofacioskeletal syndrome 1 (COFS1). Also called: Cerebro-oculo-facio-skeletal syndrome 1. Identifiers: MedGen C0220722, MONDO:0008955, OMIM 214150.

Allele frequency attached by ClinVar (database versions not stated): gnomAD exomes below 0.00001; TOPMed below 0.00001.
gnomAD v4.1: 1 of 1,603,994 alleles (0.000062%); highest among the groups gnomAD compares: Non-Finnish European, 0.000085%; no homozygotes.

Submissions (2):

Labcorp Genetics (formerly Invitae), Labcorp
Classification: Likely pathogenic. Last evaluated: 2023-08-22. Review status: criteria provided, single submitter. Criteria: Invitae Variant Classification Sherloc (09022015). Collection method: clinical testing. Allele origin: germline.
Comment: This variant is not present in population databases (gnomAD no frequency). This sequence change affects an acceptor splice site in intron 19 of the ERCC6 gene. It is expected to disrupt RNA splicing. Variants that disrupt the donor or acceptor splice site typically lead to a loss of protein function (PMID: 16199547), and loss-of-function variants in ERCC6 are known to be pathogenic (PMID: 18628313, 29572252). This variant has not been reported in the literature in individuals affected with ERCC6-related conditions. ClinVar contains an entry for this variant (Variation ID: 554470). Algorithms developed to predict the effect of sequence changes on RNA splicing suggest that this variant may disrupt the consensus splice site. In summary, the currently available evidence indicates that the variant is pathogenic, but additional data are needed to prove that conclusively. Therefore, this variant has been classified as Likely Pathogenic.

Counsyl
Classification: Likely pathogenic for Cockayne syndrome type 2; Cerebrooculofacioskeletal syndrome 1; DE SANCTIS-CACCHIONE SYNDROME. Last evaluated: 2017-10-19. Review status: no assertion criteria provided. Collection method: clinical testing. Allele origin: unknown. Not counted in ClinVar's aggregate classification.

Literature cited by the submitters: PubMed 16199547 (cited by Labcorp Genetics (formerly Invitae), Labcorp); PubMed 18628313 (cited by Labcorp Genetics (formerly Invitae), Labcorp); PubMed 29572252 (cited by Labcorp Genetics (formerly Invitae), Labcorp).